The following is an entry in ClinVar:

ClinVar aggregate classification (germline): Uncertain significance (1 of 4 stars; one submission).

gnomAD v4.1: 5 of 1,614,100 alleles (0.00031%); highest among the groups gnomAD compares: South Asian, 0.0044%; no homozygotes.

Submission:

Ambry Genetics
Classification: Uncertain significance. Last evaluated: 2025-03-10. Review status: criteria provided, single submitter. Criteria: Ambry Variant Classification Scheme 2023. Collection method: clinical testing. Allele origin: germline.
Comment: The p.L878H variant (also known as c.2633T>A), located in coding exon 1 of the TET2 gene, results from a T to A substitution at nucleotide position 2633. The leucine at codon 878 is replaced by histidine, an amino acid with similar properties. This amino acid position is conserved. In addition, this alteration is predicted to be tolerated by in silico analysis. Based on the available evidence, the clinical significance of this variant remains unclear.

NM_001127208.3(TET2):c.2633T>A (p.Leu878His)

Genes: TET2 (tet methylcytosine dioxygenase 2; plus strand), TET2-AS1 (TET2 antisense RNA 1; minus strand). Cytogenetic location: 4q24.
Variant type: single nucleotide variant.
Coding change: c.2633T>A on transcript NM_001127208.3 (MANE Select); coding-DNA position 2633, T replaced by A.
Protein change: p.Leu878His; replaces leucine 878 with histidine.
Molecular consequence: missense variant.
Genome position (GRCh38, 1-based): chr4:105,236,575, T>A. VCF-style: chr4-105236575-T-A. GRCh37 (hg19) VCF-style: chr4-106157732-T-A.
Other names: c.2633T>A, p.Leu878His (NM_017628.4); short protein forms L878H.
Identifiers: ClinVar variation 3806115 (VCV003806115.1).
Genomic context (GRCh38, chr4:105,236,575, plus strand): 5'-AGACCCAAAACTTGCATCACATGCAATATTTTCCAAATAATGTGATCCCAAAGCAAGATC[T>A]TCTTCACAGGTGCTTTCAAGAACAGGAGCAGAAGTCACAACAAGCTTCAGTTCTACAGGG-3'
Protein context (NP_001120680.1, residues 868-888): FPNNVIPKQD[Leu878His]LHRCFQEQEQ